The following is an entry in ClinVar:

NM_000903.3(NQO1):c.20T>G (p.Leu7Arg)

Gene: NQO1 (NAD(P)H quinone dehydrogenase 1; minus strand). Cytogenetic location: 16q22.1.
Variant type: single nucleotide variant.
Coding change: c.20T>G on transcript NM_000903.3 (MANE Select); coding-DNA position 20, T replaced by G.
Protein change: p.Leu7Arg; replaces leucine 7 with arginine.
Molecular consequence: missense variant.
Genome position (GRCh38, 1-based): chr16:69,718,522, A>C on the plus strand (T>G on the coding strand, the complement: NQO1 is on the minus strand). VCF-style: chr16-69718522-A-C. GRCh37 (hg19) VCF-style: chr16-69752425-A-C.
Other names: c.20T>G, p.Leu7Arg (NM_001025433.2, NM_001025434.2, NM_001286137.2); short protein forms L7R.
Identifiers: ClinVar variation 4880063 (VCV004880063.1).
Genomic context (GRCh38, chr16:69,718,522, plus strand): 5'-GCAGCAGCCTCCTTCATGGCATAGTTGAAGGACGTCCTCTCTGAGTGAGCCAGTACGATC[A>C]GTGCTCTTCTGCCTACAGAGACACACACAAAGCACACACGGAAAACCCATTACCAACCAG-3'
Protein context (NP_000894.1, residues 1-17): MVGRRA[Leu7Arg]IVLAHSERTS

ClinVar aggregate classification (germline): Uncertain significance (1 of 4 stars; one submission).

Conditions:
Primary ciliary dyskinesia. Also called: Ciliary dyskinesia. Identifiers: Orphanet 244, MedGen C0008780, MONDO:0016575, HP:0012265.

gnomAD v4.1: 137 of 1,613,780 alleles (0.0085%); highest among the groups gnomAD compares: African/African-American, 0.011%; 1 homozygote.

Submission:

Department of Human Genetics, Hannover Medical School
Classification: Uncertain significance for Primary Ciliary Dyskinesia. Last evaluated: 2026-04-01. Review status: criteria provided, single submitter. Criteria: ACMG Guidelines, 2015. Collection method: research. Allele origin: germline. Affected: no.
Comment: Classification performed by HerediClassify using the following criteria:['PM2_supporting: Variant occures does not occur as homozygous in gnomAD.', 'PP3_protein_moderate: Variant is predicted to be pathogenic by REVEL with evidence strength moderate.', "PP4_supporting: The PICADAR socre of 5.0 exceeds threshold of 5 achieving 'supporting' evidence strength."]